The following is an entry in ClinVar:

NM_017662.5(TRPM6):c.886G>A (p.Gly296Ser)

Gene: TRPM6 (transient receptor potential cation channel subfamily M member 6; minus strand). Cytogenetic location: 9q21.13.
Variant type: single nucleotide variant.
Coding change: c.886G>A on transcript NM_017662.5 (MANE Select); coding-DNA position 886, G replaced by A.
Protein change: p.Gly296Ser; replaces glycine 296 with serine.
Molecular consequence: missense variant.
Genome position (GRCh38, 1-based): chr9:74,821,793, C>T on the plus strand (G>A on the coding strand, the complement: TRPM6 is on the minus strand). VCF-style: chr9-74821793-C-T. GRCh37 (hg19) VCF-style: chr9-77436709-C-T.
Other names: c.871G>A, p.Gly291Ser (NM_001177310.2, NM_001177311.2); short protein forms G291S, G296S.
Identifiers: ClinVar variation 2192557 (VCV002192557.3), dbSNP rs113003674, ClinGen allele CA194328087.

ClinVar aggregate classification (germline): Conflicting classifications of pathogenicity. Review status: criteria provided, conflicting classifications (1 of 4 stars). 2 submissions from 2 submitters: Uncertain significance (1); Likely benign (1). Last evaluated 2024-09-20.

Conditions:
Intestinal hypomagnesemia 1. Also called: HYPOMAGNESEMIA, INTESTINAL, WITH SECONDARY HYPOCALCEMIA; HYPOMAGNESEMIC TETANY. Identifiers: Orphanet 30924, MedGen C1865974, MONDO:0011176, OMIM 602014.

Allele frequency attached by ClinVar (database versions not stated): TOPMed below 0.00001; gnomAD 0.00001.
gnomAD v4.1: 32 of 1,614,032 alleles (0.002%); highest among the groups gnomAD compares: African/African-American, 0.023%; no homozygotes.

Submissions (2):

3billion
Classification: Likely benign for Intestinal hypomagnesemia 1. Last evaluated: 2024-09-20. Review status: criteria provided, single submitter. Criteria: ACMG Guidelines, 2015. Collection method: clinical testing. Allele origin: germline. Affected: no.
Comment: The homozygous variant was found in patients diagnosed with another variant in a different gene, with no symptoms related to the gene containing the homozygous variant.

Labcorp Genetics (formerly Invitae), Labcorp
Classification: Uncertain significance. Last evaluated: 2023-11-19. Review status: criteria provided, single submitter. Criteria: Invitae Variant Classification Sherloc (09022015). Collection method: clinical testing. Allele origin: germline.
Comment: This sequence change replaces glycine, which is neutral and non-polar, with serine, which is neutral and polar, at codon 296 of the TRPM6 protein (p.Gly296Ser). This variant is not present in population databases (gnomAD no frequency). This variant has not been reported in the literature in individuals affected with TRPM6-related conditions. ClinVar contains an entry for this variant (Variation ID: 2192557). Advanced modeling of protein sequence and biophysical properties (such as structural, functional, and spatial information, amino acid conservation, physicochemical variation, residue mobility, and thermodynamic stability) performed at Invitae indicates that this missense variant is expected to disrupt TRPM6 protein function with a positive predictive value of 80%. In summary, the available evidence is currently insufficient to determine the role of this variant in disease. Therefore, it has been classified as a Variant of Uncertain Significance.